The following is an entry in ClinVar:

NM_001291303.3(FAT4):c.8761A>G (p.Arg2921Gly)

Gene: FAT4 (FAT atypical cadherin 4; plus strand). Cytogenetic location: 4q28.1.
Variant type: single nucleotide variant.
Coding change: c.8761A>G on transcript NM_001291303.3 (MANE Select); coding-DNA position 8761, A replaced by G.
Protein change: p.Arg2921Gly; replaces arginine 2921 with glycine.
Molecular consequence: missense variant.
Genome position (GRCh38, 1-based): chr4:125,449,771, A>G. VCF-style: chr4-125449771-A-G. GRCh37 (hg19) VCF-style: chr4-126370926-A-G.
Other names: c.8761A>G, p.Arg2921Gly (NM_001291285.3); c.8755A>G, p.Arg2919Gly (NM_024582.6); short protein forms R2919G, R2921G.
Identifiers: ClinVar variation 1388257 (VCV001388257.6), dbSNP rs2126058590, ClinGen allele CA358147349.

ClinVar aggregate classification (germline): Uncertain significance (1 of 4 stars; one submission).

Submission:

Labcorp Genetics (formerly Invitae), Labcorp
Classification: Uncertain significance. Last evaluated: 2022-08-23. Review status: criteria provided, single submitter. Criteria: Invitae Variant Classification Sherloc (09022015). Collection method: clinical testing. Allele origin: germline.
Comment: This sequence change replaces arginine, which is basic and polar, with glycine, which is neutral and non-polar, at codon 2919 of the FAT4 protein (p.Arg2919Gly). This variant is not present in population databases (gnomAD no frequency). This variant has not been reported in the literature in individuals affected with FAT4-related conditions. ClinVar contains an entry for this variant (Variation ID: 1388257). Advanced modeling of protein sequence and biophysical properties (such as structural, functional, and spatial information, amino acid conservation, physicochemical variation, residue mobility, and thermodynamic stability) performed at Invitae indicates that this missense variant is not expected to disrupt FAT4 protein function. In summary, the available evidence is currently insufficient to determine the role of this variant in disease. Therefore, it has been classified as a Variant of Uncertain Significance.